The following is an entry in ClinVar:

ClinVar aggregate classification (germline): Uncertain significance (1 of 4 stars; one submission).

Allele frequency attached by ClinVar (database versions not stated): gnomAD 0.00001; gnomAD exomes 0.00001; TOPMed 0.00001.
gnomAD v4.1: 17 of 1,614,100 alleles (0.0011%); highest among the groups gnomAD compares: Non-Finnish European, 0.0014%; no homozygotes.

Submission:

Labcorp Genetics (formerly Invitae), Labcorp
Classification: Uncertain significance. Last evaluated: 2022-04-11. Review status: criteria provided, single submitter. Criteria: Invitae Variant Classification Sherloc (09022015). Collection method: clinical testing. Allele origin: germline.
Comment: This sequence change replaces isoleucine, which is neutral and non-polar, with threonine, which is neutral and polar, at codon 446 of the HPS3 protein (p.Ile446Thr). This variant is present in population databases (no rsID available, gnomAD 0.003%). This variant has not been reported in the literature in individuals affected with HPS3-related conditions. Algorithms developed to predict the effect of missense changes on protein structure and function (SIFT, PolyPhen-2, Align-GVGD) all suggest that this variant is likely to be tolerated. In summary, the available evidence is currently insufficient to determine the role of this variant in disease. Therefore, it has been classified as a Variant of Uncertain Significance.

NM_032383.5(HPS3):c.1337T>C (p.Ile446Thr)

Gene: HPS3 (HPS3 biogenesis of lysosomal organelles complex 2 subunit 1; plus strand). Cytogenetic location: 3q24.
Variant type: single nucleotide variant.
Coding change: c.1337T>C on transcript NM_032383.5 (MANE Select); coding-DNA position 1337, T replaced by C.
Protein change: p.Ile446Thr; replaces isoleucine 446 with threonine.
Molecular consequence: missense variant.
Genome position (GRCh38, 1-based): chr3:149,153,585, T>C. VCF-style: chr3-149153585-T-C. GRCh37 (hg19) VCF-style: chr3-148871372-T-C.
Other names: c.842T>C, p.Ile281Thr (NM_001308258.2); short protein forms I281T, I446T.
Identifiers: ClinVar variation 1963870 (VCV001963870.2), dbSNP rs963232399, ClinGen allele CA85504426.